The following is an entry in ClinVar:

ClinVar aggregate classification (germline): Conflicting classifications of pathogenicity. Review status: criteria provided, conflicting classifications (1 of 4 stars). 2 submissions from 2 submitters: Uncertain significance (1); Likely benign (1). Last evaluated 2025-08-04.

Conditions:
Inborn genetic diseases. Identifiers: MedGen C0950123, MeSH D030342.

gnomAD v4.1: 70 of 1,614,032 alleles (0.0043%); highest among the groups gnomAD compares: South Asian, 0.014%; no homozygotes.

Submissions (2):

Ambry Genetics
Classification: Likely benign for Inborn genetic diseases. Last evaluated: 2025-08-04. Review status: criteria provided, single submitter. Criteria: Ambry Variant Classification Scheme 2023. Collection method: clinical testing. Allele origin: germline.

Labcorp Genetics (formerly Invitae), Labcorp
Classification: Uncertain significance. Last evaluated: 2025-05-29. Review status: criteria provided, single submitter. Criteria: Invitae Variant Classification Sherloc (09022015). Collection method: clinical testing. Allele origin: germline.
Comment: This sequence change replaces proline, which is neutral and non-polar, with serine, which is neutral and polar, at codon 279 of the SIN3A protein (p.Pro279Ser). This variant is present in population databases (rs752617475, gnomAD 0.02%). This variant has not been reported in the literature in individuals affected with SIN3A-related conditions. ClinVar contains an entry for this variant (Variation ID: 3604105). Invitae Evidence Modeling of protein sequence and biophysical properties (such as structural, functional, and spatial information, amino acid conservation, physicochemical variation, residue mobility, and thermodynamic stability) indicates that this missense variant is not expected to disrupt SIN3A protein function with a negative predictive value of 80%. In summary, the available evidence is currently insufficient to determine the role of this variant in disease. Therefore, it has been classified as a Variant of Uncertain Significance.

NM_001145358.2(SIN3A):c.835C>T (p.Pro279Ser)

Gene: SIN3A (SIN3 transcription regulator family member A; minus strand). Cytogenetic location: 15q24.2.
Variant type: single nucleotide variant.
Coding change: c.835C>T on transcript NM_001145358.2 (MANE Select); coding-DNA position 835, C replaced by T.
Protein change: p.Pro279Ser; replaces proline 279 with serine.
Molecular consequence: missense variant.
Genome position (GRCh38, 1-based): chr15:75,411,665, G>A on the plus strand (C>T on the coding strand, the complement: SIN3A is on the minus strand). VCF-style: chr15-75411665-G-A. GRCh37 (hg19) VCF-style: chr15-75704006-G-A.
Other names: c.835C>T, p.Pro279Ser (NM_001145357.2, NM_015477.3); c.835C>T (NM_001145358.1); short protein forms P279S.
Identifiers: ClinVar variation 3604105 (VCV003604105.3).